The following is an entry in ClinVar:

ClinVar aggregate classification (germline): Uncertain significance. Review status: criteria provided, multiple submitters, no conflicts (2 of 4 stars). 2 submissions from 2 submitters: Uncertain significance (2). Last evaluated 2025-10-27.

Conditions:
Hereditary cancer-predisposing syndrome. Also called: Tumor predisposition; Hereditary Cancer Syndrome; Hereditary neoplastic syndrome; Neoplastic Syndromes, Hereditary. Identifiers: Orphanet 140162, MedGen C0027672, MeSH D009386, MONDO:0015356.

Allele frequency attached by ClinVar (database versions not stated): gnomAD exomes below 0.00001; ExAC 0.00001; gnomAD 0.00002; TOPMed 0.00003.
gnomAD v4.1: 7 of 1,563,894 alleles (0.00045%); highest among the groups gnomAD compares: African/African-American, 0.0054%; no homozygotes.

Submissions (2):

Labcorp Genetics (formerly Invitae), Labcorp
Classification: Uncertain significance. Last evaluated: 2025-10-27. Review status: criteria provided, single submitter. Criteria: Invitae Variant Classification Sherloc (09022015). Collection method: clinical testing. Allele origin: germline.
Comment: This sequence change replaces proline, which is neutral and non-polar, with serine, which is neutral and polar, at codon 635 of the CTNNA1 protein (p.Pro635Ser). This variant is present in population databases (rs749421689, gnomAD 0.008%). This variant has not been reported in the literature in individuals affected with CTNNA1-related conditions. ClinVar contains an entry for this variant (Variation ID: 1443405). Invitae Evidence Modeling of protein sequence and biophysical properties (such as structural, functional, and spatial information, amino acid conservation, physicochemical variation, residue mobility, and thermodynamic stability) indicates that this missense variant is not expected to disrupt CTNNA1 protein function with a negative predictive value of 80%. In summary, the available evidence is currently insufficient to determine the role of this variant in disease. Therefore, it has been classified as a Variant of Uncertain Significance.

Ambry Genetics
Classification: Uncertain significance for Hereditary cancer-predisposing syndrome. Last evaluated: 2025-10-21. Review status: criteria provided, single submitter. Criteria: Ambry Variant Classification Scheme 2023. Collection method: clinical testing. Allele origin: germline.
Comment: The p.P635S variant (also known as c.1903C>T), located in coding exon 13 of the CTNNA1 gene, results from a C to T substitution at nucleotide position 1903. The proline at codon 635 is replaced by serine, an amino acid with similar properties. This amino acid position is highly conserved in available vertebrate species. In addition, the in silico prediction for this alteration is inconclusive. Based on the available evidence, the clinical significance of this variant remains unclear.

NM_001903.5(CTNNA1):c.1903C>T (p.Pro635Ser)

Gene: CTNNA1 (catenin alpha 1; plus strand). Cytogenetic location: 5q31.2.
Variant type: single nucleotide variant.
Coding change: c.1903C>T on transcript NM_001903.5 (MANE Select); coding-DNA position 1903, C replaced by T.
Protein change: p.Pro635Ser; replaces proline 635 with serine.
Molecular consequence: missense variant.
Genome position (GRCh38, 1-based): chr5:138,929,249, C>T. VCF-style: chr5-138929249-C-T. GRCh37 (hg19) VCF-style: chr5-138264938-C-T.
Other names: c.1903C>T, p.Pro635Ser (NM_001290307.3, NM_001323982.2, NM_001323983.1 and 2 more transcripts); c.1594C>T, p.Pro532Ser (NM_001290309.3); c.1534C>T, p.Pro512Ser (NM_001290310.3); c.793C>T, p.Pro265Ser (NM_001290312.1, NM_001323987.1, NM_001323988.1 and 17 more transcripts); c.1810C>T, p.Pro604Ser (NM_001323986.2); c.454C>T, p.Pro152Ser (NM_001324006.1, NM_001324007.1, NM_001324008.1 and 2 more transcripts); c.700C>T, p.Pro234Ser (NM_001324011.1); c.550C>T, p.Pro184Ser (NM_001324012.1, NM_001324013.1); short protein forms P234S, P265S, P532S, P604S, P635S, P152S, P184S, P512S.
Identifiers: ClinVar variation 1443405 (VCV001443405.11), dbSNP rs749421689, ClinGen allele CA3432070.